The following is an entry in ClinVar:

ClinVar aggregate classification (germline): Uncertain significance (1 of 4 stars; one submission).

Submission:

GeneDx
Classification: Uncertain significance. Last evaluated: 2023-01-30. Review status: criteria provided, single submitter. Criteria: GeneDx Variant Classification Process June 2021. Collection method: clinical testing. Allele origin: germline. Affected: yes.
Comment: Not observed at significant frequency in large population cohorts (gnomAD); In silico analysis supports that this missense variant has a deleterious effect on protein structure/function; Has not been previously published as pathogenic or benign to our knowledge

NM_003024.3(ITSN1):c.2192C>T (p.Pro731Leu)

Gene: ITSN1 (intersectin 1; plus strand). Cytogenetic location: 21q22.11.
Variant type: single nucleotide variant.
Coding change: c.2192C>T on transcript NM_003024.3 (MANE Select); coding-DNA position 2192, C replaced by T.
Protein change: p.Pro731Leu; replaces proline 731 with leucine.
Molecular consequence: missense variant.
Genome position (GRCh38, 1-based): chr21:33,799,817, C>T. VCF-style: chr21-33799817-C-T. GRCh37 (hg19) VCF-style: chr21-35172121-C-T.
Other names: c.2192C>T, p.Pro731Leu (NM_001001132.2, NM_001331008.2, NM_001331009.2 and 2 more transcripts); c.2081C>T, p.Pro694Leu (NM_001331012.2); short protein forms P694L, P731L.
Identifiers: ClinVar variation 2574528 (VCV002574528.1), dbSNP rs2517804159, ClinGen allele CA410133527.